The following is an entry in ClinVar:

ClinVar aggregate classification (germline): Uncertain significance (1 of 4 stars; one submission).

Conditions:
Primary ciliary dyskinesia. Also called: Ciliary dyskinesia. Identifiers: Orphanet 244, MedGen C0008780, MONDO:0016575, HP:0012265.

Allele frequency attached by ClinVar (database versions not stated): TOPMed 0.00001; gnomAD 0.00002; gnomAD exomes 0.00002 and 0.00004; ExAC 0.00005.
gnomAD v4.1: 38 of 1,612,106 alleles (0.0024%); highest among the groups gnomAD compares: South Asian, 0.038%; 1 homozygote.

Submission:

Labcorp Genetics (formerly Invitae), Labcorp
Classification: Uncertain significance for Primary ciliary dyskinesia. Last evaluated: 2023-02-17. Review status: criteria provided, single submitter. Criteria: Invitae Variant Classification Sherloc (09022015). Collection method: clinical testing. Allele origin: germline.
Comment: This sequence change replaces lysine, which is basic and polar, with glutamic acid, which is acidic and polar, at codon 313 of the DNAAF2 protein (p.Lys313Glu). This variant is present in population databases (rs777195189, gnomAD 0.04%). This missense change has been observed in individual(s) with clinical features of primary ciliary dyskinesia (Invitae). ClinVar contains an entry for this variant (Variation ID: 945196). Advanced modeling of protein sequence and biophysical properties (such as structural, functional, and spatial information, amino acid conservation, physicochemical variation, residue mobility, and thermodynamic stability) performed at Invitae indicates that this missense variant is expected to disrupt DNAAF2 protein function. In summary, the available evidence is currently insufficient to determine the role of this variant in disease. Therefore, it has been classified as a Variant of Uncertain Significance.

NM_018139.3(DNAAF2):c.937A>G (p.Lys313Glu)

Gene: DNAAF2 (dynein axonemal assembly factor 2; minus strand). Cytogenetic location: 14q21.3.
Variant type: single nucleotide variant.
Coding change: c.937A>G on transcript NM_018139.3 (MANE Select); coding-DNA position 937, A replaced by G.
Protein change: p.Lys313Glu; replaces lysine 313 with glutamic acid.
Molecular consequence: missense variant.
Genome position (GRCh38, 1-based): chr14:49,634,213, T>C on the plus strand (A>G on the coding strand, the complement: DNAAF2 is on the minus strand). VCF-style: chr14-49634213-T-C. GRCh37 (hg19) VCF-style: chr14-50100931-T-C.
Other names: c.937A>G, p.Lys313Glu (NM_001083908.2); short protein forms K313E.
Identifiers: ClinVar variation 945196 (VCV000945196.6), dbSNP rs777195189, ClinGen allele CA7172994.